The following is an entry in ClinVar:

ClinVar aggregate classification (germline): Uncertain significance (1 of 4 stars; one submission).

gnomAD v4.1: 1 of 1,612,658 alleles (0.000062%); highest among the groups gnomAD compares: Non-Finnish European, 0.000085%; no homozygotes.

Submission:

Labcorp Genetics (formerly Invitae), Labcorp
Classification: Uncertain significance. Last evaluated: 2024-08-27. Review status: criteria provided, single submitter. Criteria: Invitae Variant Classification Sherloc (09022015). Collection method: clinical testing. Allele origin: germline.
Comment: This sequence change replaces glutamic acid, which is acidic and polar, with valine, which is neutral and non-polar, at codon 512 of the CSF1R protein (p.Glu512Val). This variant is not present in population databases (gnomAD no frequency). This variant has not been reported in the literature in individuals affected with CSF1R-related conditions. Invitae Evidence Modeling of protein sequence and biophysical properties (such as structural, functional, and spatial information, amino acid conservation, physicochemical variation, residue mobility, and thermodynamic stability) indicates that this missense variant is not expected to disrupt CSF1R protein function with a negative predictive value of 95%. In summary, the available evidence is currently insufficient to determine the role of this variant in disease. Therefore, it has been classified as a Variant of Uncertain Significance.

NM_001288705.3(CSF1R):c.1535A>T (p.Glu512Val)

Gene: CSF1R (colony stimulating factor 1 receptor; minus strand). Cytogenetic location: 5q32.
Variant type: single nucleotide variant.
Coding change: c.1535A>T on transcript NM_001288705.3 (MANE Select); coding-DNA position 1535, A replaced by T.
Protein change: p.Glu512Val; replaces glutamic acid 512 with valine.
Molecular consequence: missense variant. On other transcripts: non-coding transcript variant (2).
Genome position (GRCh38, 1-based): chr5:150,068,306, T>A on the plus strand (A>T on the coding strand, the complement: CSF1R is on the minus strand). VCF-style: chr5-150068306-T-A. GRCh37 (hg19) VCF-style: chr5-149447869-T-A.
Other names: c.1535A>T, p.Glu512Val (NM_001349736.2, NM_001375320.1, NM_005211.4); c.1091A>T, p.Glu364Val (NM_001375321.1); short protein forms E364V, E512V.
Identifiers: ClinVar variation 3690823 (VCV003690823.2).